The following is an entry in ClinVar:

ClinVar aggregate classification (germline): Uncertain significance (1 of 4 stars; one submission).

Conditions:
Ehlers-Danlos syndrome, spondylodysplastic type, 2 (EDSSPD2). Also called: Ehlers-Danlos syndrome, progeroid type, 2. Identifiers: Orphanet 536467, Orphanet 75496, MedGen C3809210, MONDO:0014139, OMIM 615349.
Spondyloepimetaphyseal dysplasia with joint laxity (SEMDJL). Identifiers: MedGen C0432243, MONDO:0019675.

Allele frequency attached by ClinVar (database versions not stated): gnomAD 0.00001; TOPMed 0.00001.

Submission:

Labcorp Genetics (formerly Invitae), Labcorp
Classification: Uncertain significance for Ehlers-Danlos syndrome, spondylodysplastic type, 2; Spondyloepimetaphyseal dysplasia with joint laxity. Last evaluated: 2022-01-04. Review status: criteria provided, single submitter. Criteria: Invitae Variant Classification Sherloc (09022015). Collection method: clinical testing. Allele origin: germline.
Comment: In summary, the available evidence is currently insufficient to determine the role of this variant in disease. Therefore, it has been classified as a Variant of Uncertain Significance. Algorithms developed to predict the effect of missense changes on protein structure and function are either unavailable or do not agree on the potential impact of this missense change (SIFT: "Tolerated"; PolyPhen-2: "Possibly Damaging"; Align-GVGD: "Class C0"). This variant has not been reported in the literature in individuals affected with B3GALT6-related conditions. The frequency data for this variant in the population databases is considered unreliable, as metrics indicate poor data quality at this position in the gnomAD database. This sequence change replaces proline, which is neutral and non-polar, with leucine, which is neutral and non-polar, at codon 39 of the B3GALT6 protein (p.Pro39Leu).

NM_080605.4(B3GALT6):c.116C>T (p.Pro39Leu)

Gene: B3GALT6 (beta-1,3-galactosyltransferase 6; plus strand). Cytogenetic location: 1p36.33.
Variant type: single nucleotide variant.
Coding change: c.116C>T on transcript NM_080605.4 (MANE Select); coding-DNA position 116, C replaced by T.
Protein change: p.Pro39Leu; replaces proline 39 with leucine.
Molecular consequence: missense variant.
Genome position (GRCh38, 1-based): chr1:1,232,394, C>T. VCF-style: chr1-1232394-C-T. GRCh37 (hg19) VCF-style: chr1-1167774-C-T.
Other names: short protein forms P39L.
Identifiers: ClinVar variation 2413769 (VCV002413769.6), dbSNP rs1228493514, ClinGen allele CA337822611.